The following is an entry in ClinVar:

NM_080680.3(COL11A2):c.3943G>A (p.Gly1315Arg)

Gene: COL11A2 (collagen type XI alpha 2 chain; minus strand). Cytogenetic location: 6p21.32.
Variant type: single nucleotide variant.
Coding change: c.3943G>A on transcript NM_080680.3 (MANE Select); coding-DNA position 3943, G replaced by A.
Protein change: p.Gly1315Arg; replaces glycine 1315 with arginine.
Molecular consequence: missense variant.
Genome position (GRCh38, 1-based): chr6:33,168,536, C>T on the plus strand (G>A on the coding strand, the complement: COL11A2 is on the minus strand). VCF-style: chr6-33168536-C-T. GRCh37 (hg19) VCF-style: chr6-33136313-C-T.
Other names: c.3763G>A, p.Gly1255Arg (NM_001424108.1); c.3097G>A, p.Gly1033Arg (NM_001424109.1); c.2917G>A, p.Gly973Arg (NM_001424110.1, NM_001424111.1); c.1897G>A, p.Gly633Arg (NM_001424112.1); c.3622G>A, p.Gly1208Arg (NM_080679.3); c.3685G>A, p.Gly1229Arg (NM_080681.3); short protein forms G1208R, G1229R, G633R, G1033R, G1315R, G1255R, G973R.
Identifiers: ClinVar variation 2704885 (VCV002704885.3), dbSNP rs2534648371, ClinGen allele CA363624604.

ClinVar aggregate classification (germline): Uncertain significance (1 of 4 stars; one submission).

Submission:

Labcorp Genetics (formerly Invitae), Labcorp
Classification: Uncertain significance. Last evaluated: 2023-12-22. Review status: criteria provided, single submitter. Criteria: Invitae Variant Classification Sherloc (09022015). Collection method: clinical testing. Allele origin: germline.
Comment: This sequence change replaces glycine, which is neutral and non-polar, with arginine, which is basic and polar, at codon 1315 of the COL11A2 protein (p.Gly1315Arg). This variant is not present in population databases (gnomAD no frequency). This variant has not been reported in the literature in individuals affected with COL11A2-related conditions. Advanced modeling of protein sequence and biophysical properties (such as structural, functional, and spatial information, amino acid conservation, physicochemical variation, residue mobility, and thermodynamic stability) performed at Invitae indicates that this missense variant is expected to disrupt COL11A2 protein function with a positive predictive value of 95%. In summary, the available evidence is currently insufficient to determine the role of this variant in disease. Therefore, it has been classified as a Variant of Uncertain Significance.